The following is an entry in ClinVar:

NM_001040108.2(MLH3):c.3841A>G (p.Asn1281Asp)

Gene: MLH3 (mutL homolog 3; minus strand). Cytogenetic location: 14q24.3.
Variant type: single nucleotide variant.
Coding change: c.3841A>G on transcript NM_001040108.2 (MANE Select); coding-DNA position 3841, A replaced by G.
Protein change: p.Asn1281Asp; replaces asparagine 1281 with aspartic acid.
Molecular consequence: missense variant.
Genome position (GRCh38, 1-based): chr14:75,030,689, T>C on the plus strand (A>G on the coding strand, the complement: MLH3 is on the minus strand). VCF-style: chr14-75030689-T-C. GRCh37 (hg19) VCF-style: chr14-75497392-T-C.
Other names: c.3769A>G, p.Asn1257Asp (NM_014381.3); short protein forms N1257D, N1281D.
Identifiers: ClinVar variation 2741891 (VCV002741891.3), dbSNP rs2503119738, ClinGen allele CA390423356.

ClinVar aggregate classification (germline): Uncertain significance (1 of 4 stars; one submission).

Conditions:
Colorectal cancer, hereditary nonpolyposis, type 7. Identifiers: Orphanet 144, MedGen C1858380, MONDO:0013725, OMIM 614385.

Allele frequency attached by ClinVar (database versions not stated): gnomAD exomes below 0.00001.
gnomAD v4.1: 1 of 1,614,060 alleles (0.000062%); highest among the groups gnomAD compares: Non-Finnish European, 0.000085%; no homozygotes.

Submission:

Labcorp Genetics (formerly Invitae), Labcorp
Classification: Uncertain significance for Colorectal cancer, hereditary nonpolyposis, type 7. Last evaluated: 2023-07-12. Review status: criteria provided, single submitter. Criteria: Invitae Variant Classification Sherloc (09022015). Collection method: clinical testing. Allele origin: germline.
Comment: This sequence change replaces asparagine, which is neutral and polar, with aspartic acid, which is acidic and polar, at codon 1281 of the MLH3 protein (p.Asn1281Asp). This variant is not present in population databases (gnomAD no frequency). This variant has not been reported in the literature in individuals affected with MLH3-related conditions. An algorithm developed to predict the effect of missense changes on protein structure and function (PolyPhen-2) suggests that this variant is likely to be tolerated. In summary, the available evidence is currently insufficient to determine the role of this variant in disease. Therefore, it has been classified as a Variant of Uncertain Significance.